The following is an entry in ClinVar:

NM_004656.4(BAP1):c.1313C>T (p.Ser438Leu)

Gene: BAP1 (BRCA1 associated deubiquitinase 1; minus strand). Cytogenetic location: 3p21.1.
Variant type: single nucleotide variant.
Coding change: c.1313C>T on transcript NM_004656.4 (MANE Select); coding-DNA position 1313, C replaced by T.
Protein change: p.Ser438Leu; replaces serine 438 with leucine.
Molecular consequence: missense variant.
Genome position (GRCh38, 1-based): chr3:52,403,832, G>A on the plus strand (C>T on the coding strand, the complement: BAP1 is on the minus strand). VCF-style: chr3-52403832-G-A. GRCh37 (hg19) VCF-style: chr3-52437848-G-A.
Other names: short protein forms S438L.
Identifiers: ClinVar variation 630737 (VCV000630737.14), dbSNP rs1443225407, ClinGen allele CA353102176.

ClinVar aggregate classification (germline): Conflicting classifications of pathogenicity. Review status: criteria provided, conflicting classifications (1 of 4 stars). 4 submissions from 4 submitters: Uncertain significance (3); Benign (1). Last evaluated 2025-10-21.

Conditions:
Hereditary cancer-predisposing syndrome. Also called: Tumor predisposition; Neoplastic Syndromes, Hereditary; Hereditary neoplastic syndrome; Hereditary Cancer Syndrome. Identifiers: Orphanet 140162, MedGen C0027672, MeSH D009386, MONDO:0015356.
BAP1-related tumor predisposition syndrome (TPDS1). Also called: Tumor susceptibility linked to germline BAP1 mutations; BAP1 tumor predisposition syndrome; COMMON Syndrome; TUMOR PREDISPOSITION SYNDROME 1. Identifiers: Orphanet 289539, MedGen C3280492, MONDO:0013692, OMIM 614327.

Allele frequency attached by ClinVar (database versions not stated): gnomAD exomes below 0.00001.

Submissions (4):

Labcorp Genetics (formerly Invitae), Labcorp
Classification: Uncertain significance for BAP1-related tumor predisposition syndrome. Last evaluated: 2025-10-21. Review status: criteria provided, single submitter. Criteria: Invitae Variant Classification Sherloc (09022015). Collection method: clinical testing. Allele origin: germline.
Comment: This sequence change replaces serine, which is neutral and polar, with leucine, which is neutral and non-polar, at codon 438 of the BAP1 protein (p.Ser438Leu). This variant is present in population databases (no rsID available, gnomAD 0.0009%). This variant has not been reported in the literature in individuals affected with BAP1-related conditions. ClinVar contains an entry for this variant (Variation ID: 630737). Invitae Evidence Modeling of protein sequence and biophysical properties (such as structural, functional, and spatial information, amino acid conservation, physicochemical variation, residue mobility, and thermodynamic stability) indicates that this missense variant is not expected to disrupt BAP1 protein function with a negative predictive value of 80%. In summary, the available evidence is currently insufficient to determine the role of this variant in disease. Therefore, it has been classified as a Variant of Uncertain Significance.

Ambry Genetics
Classification: Benign for Hereditary cancer-predisposing syndrome. Last evaluated: 2025-03-27. Review status: criteria provided, single submitter. Criteria: Ambry Variant Classification Scheme 2023. Collection method: clinical testing. Allele origin: germline.

Color Diagnostics, LLC DBA Color Health
Classification: Uncertain significance for Hereditary cancer-predisposing syndrome. Last evaluated: 2024-03-06. Review status: criteria provided, single submitter. Criteria: ACMG Guidelines, 2015. Collection method: clinical testing. Allele origin: germline.
Comment: This missense variant replaces serine with leucine at codon 438 of the BAP1 protein. Computational prediction is inconclusive regarding the impact of this variant on protein structure and function (internally defined REVEL score threshold 0.5 < inconclusive < 0.7, PMID: 27666373). To our knowledge, functional studies have not been reported for this variant. This variant has not been reported in individuals affected with hereditary cancer in the literature. This variant has been identified in 1/251430 chromosomes in the general population by the Genome Aggregation Database (gnomAD). The available evidence is insufficient to determine the role of this variant in disease conclusively. Therefore, this variant is classified as a Variant of Uncertain Significance.

Sema4
Classification: Uncertain significance for Hereditary cancer-predisposing syndrome. Last evaluated: 2021-04-23. Review status: criteria provided, single submitter. Criteria: Sema4 Curation Guidelines. Collection method: curation. Allele origin: germline.
Comment: The BAP1 c.1313C>T (p.S438L) variant has not been reported in the literature to our knowledge. It was observed in 1/113752 chromosomes of the Non-Finnish European subpopulation in the large and broad cohorts of the Genome Aggregation Database (PMID: 32461654). The variant has been reported in ClinVar (Variation ID 630737). In silico tools suggest the impact of the variant on protein function is inconclusive, though these predictions have not been confirmed by functional studies. The evidence is insufficient to meet ACMG/AMP criteria for classifying the variant as benign or pathogenic. Thus, the clinical significance of this variant is currently uncertain.

Literature cited by the submitters: PubMed 38969833 (cited by Ambry Genetics).